The following is an entry in ClinVar:

NM_000051.4(ATM):c.5395A>G (p.Ser1799Gly)

Gene: ATM (ATM serine/threonine kinase; plus strand). Cytogenetic location: 11q22.3.
Variant type: single nucleotide variant.
Coding change: c.5395A>G on transcript NM_000051.4 (MANE Select); coding-DNA position 5395, A replaced by G.
Protein change: p.Ser1799Gly; replaces serine 1799 with glycine.
Molecular consequence: missense variant.
Genome position (GRCh38, 1-based): chr11:108,302,928, A>G. VCF-style: chr11-108302928-A-G. GRCh37 (hg19) VCF-style: chr11-108173655-A-G.
Other names: c.5395A>G, p.Ser1799Gly (NM_001351834.2); short protein forms S1799G.
Identifiers: ClinVar variation 1035949 (VCV001035949.5), dbSNP rs2083501896, ClinGen allele CA382543651.

ClinVar aggregate classification (germline): Uncertain significance. Review status: criteria provided, multiple submitters, no conflicts (2 of 4 stars). 3 submissions from 3 submitters: Uncertain significance (3). Last evaluated 2025-10-14.

Conditions:
Hereditary cancer-predisposing syndrome. Also called: Neoplastic Syndromes, Hereditary; Hereditary Cancer Syndrome; Tumor predisposition; Hereditary neoplastic syndrome. Identifiers: Orphanet 140162, MedGen C0027672, MeSH D009386, MONDO:0015356.
Familial cancer of breast. Also called: Hereditary breast cancer; hereditary breast carcinoma; BREAST CANCER, FAMILIAL. Identifiers: Orphanet 227535, MedGen C0346153, MONDO:0016419, OMIM 114480. Disease mechanism: loss of function.
Ataxia-telangiectasia syndrome (AT). Also called: Ataxia-telangiectasia, complementation group D; ATAXIA-TELANGIECTASIA, COMPLEMENTATION GROUP A; ATAXIA-TELANGIECTASIA, FRESNO VARIANT; Ataxia-telangiectasia; Ataxia-telangiectasia, complementation group E; LOUIS-BAR SYNDROME. Identifiers: Orphanet 100, MedGen C0004135, MONDO:0008840, OMIM 208900.

Allele frequency attached by ClinVar (database versions not stated): gnomAD exomes below 0.00001.
gnomAD v4.1: 4 of 1,613,478 alleles (0.00025%); highest among the groups gnomAD compares: Non-Finnish European, 0.00034%; no homozygotes.

Submissions (3):

Color Diagnostics, LLC DBA Color Health
Classification: Uncertain significance for Hereditary cancer-predisposing syndrome. Last evaluated: 2025-10-14. Review status: criteria provided, single submitter. Criteria: ACMG Guidelines, 2015. Collection method: clinical testing. Allele origin: germline.
Comment: This missense variant replaces serine with glycine at codon 1799 of the ATM protein. Computational prediction suggests that this variant may not impact protein structure and function. To our knowledge, functional studies have not been reported for this variant. This variant has not been reported in individuals affected with ATM-related disorders in the literature. This variant has been identified in 4/1461218 chromosomes in the general population by the Genome Aggregation Database (gnomAD). The available evidence is insufficient to determine the role of this variant in disease conclusively. Therefore, this variant is classified as a Variant of Uncertain Significance.

Baylor Genetics
Classification: Uncertain significance for Familial cancer of breast. Last evaluated: 2023-05-30. Review status: criteria provided, single submitter. Criteria: ACMG Guidelines, 2015. Collection method: clinical testing. Allele origin: unknown.

Labcorp Genetics (formerly Invitae), Labcorp
Classification: Uncertain significance for Ataxia-telangiectasia syndrome. Last evaluated: 2021-12-02. Review status: criteria provided, single submitter. Criteria: Invitae Variant Classification Sherloc (09022015). Collection method: clinical testing. Allele origin: germline.
Comment: This sequence change replaces serine, which is neutral and polar, with glycine, which is neutral and non-polar, at codon 1799 of the ATM protein (p.Ser1799Gly). This variant is not present in population databases (gnomAD no frequency). This variant has not been reported in the literature in individuals affected with ATM-related conditions. ClinVar contains an entry for this variant (Variation ID: 1035949). Advanced modeling of protein sequence and biophysical properties (such as structural, functional, and spatial information, amino acid conservation, physicochemical variation, residue mobility, and thermodynamic stability) performed at Invitae indicates that this missense variant is not expected to disrupt ATM protein function. Algorithms developed to predict the effect of sequence changes on RNA splicing suggest that this variant may create or strengthen a splice site. In summary, the available evidence is currently insufficient to determine the role of this variant in disease. Therefore, it has been classified as a Variant of Uncertain Significance.